The following is an entry in ClinVar:

NM_020738.4(KIDINS220):c.4167A>C (p.Glu1389Asp)

Gene: KIDINS220 (kinase D interacting substrate 220; minus strand). Cytogenetic location: 2p25.1.
Variant type: single nucleotide variant.
Coding change: c.4167A>C on transcript NM_020738.4 (MANE Select); coding-DNA position 4167, A replaced by C.
Protein change: p.Glu1389Asp; replaces glutamic acid 1389 with aspartic acid.
Molecular consequence: missense variant. On other transcripts: intron variant (6).
Genome position (GRCh38, 1-based): chr2:8,731,869, T>G on the plus strand (A>C on the coding strand, the complement: KIDINS220 is on the minus strand). VCF-style: chr2-8731869-T-G. GRCh37 (hg19) VCF-style: chr2-8871999-T-G.
Other names: c.4170A>C, p.Glu1390Asp (NM_001348729.2); c.4113A>C, p.Glu1371Asp (NM_001348731.2); c.4110A>C, p.Glu1370Asp (NM_001348732.2); c.3999A>C, p.Glu1333Asp (NM_001348734.2); c.3996A>C, p.Glu1332Asp (NM_001348735.2); c.3870A>C, p.Glu1290Asp (NM_001348736.2); c.3882+1575A>C (NM_001348741.2, NM_001348742.2, NM_001348743.2); c.3996+1575A>C (NM_001348738.2); and 2 more; short protein forms E1290D, E1332D, E1333D, E1390D, E1370D, E1371D, E1389D.
Identifiers: ClinVar variation 1407654 (VCV001407654.7), dbSNP rs886588528, ClinGen allele CA42327877.

ClinVar aggregate classification (germline): Uncertain significance. Review status: criteria provided, multiple submitters, no conflicts (2 of 4 stars). 2 submissions from 2 submitters: Uncertain significance (2). Last evaluated 2025-04-06.

Conditions:
Inborn genetic diseases. Identifiers: MedGen C0950123, MeSH D030342.

Allele frequency attached by ClinVar (database versions not stated): gnomAD exomes below 0.00001; TOPMed below 0.00001; gnomAD 0.00001.

Submissions (2):

Ambry Genetics
Classification: Uncertain significance for Inborn genetic diseases. Last evaluated: 2025-04-06. Review status: criteria provided, single submitter. Criteria: Ambry Variant Classification Scheme 2023. Collection method: clinical testing. Allele origin: germline.

Labcorp Genetics (formerly Invitae), Labcorp
Classification: Uncertain significance. Last evaluated: 2025-02-02. Review status: criteria provided, single submitter. Criteria: Invitae Variant Classification Sherloc (09022015). Collection method: clinical testing. Allele origin: germline.
Comment: This sequence change replaces glutamic acid, which is acidic and polar, with aspartic acid, which is acidic and polar, at codon 1389 of the KIDINS220 protein (p.Glu1389Asp). This variant is present in population databases (no rsID available, gnomAD 0.0009%). This variant has not been reported in the literature in individuals affected with KIDINS220-related conditions. ClinVar contains an entry for this variant (Variation ID: 1407654). An algorithm developed to predict the effect of missense changes on protein structure and function (PolyPhen-2) suggests that this variant is likely to be tolerated. In summary, the available evidence is currently insufficient to determine the role of this variant in disease. Therefore, it has been classified as a Variant of Uncertain Significance.